The following is an entry in ClinVar:

NM_002951.5(RPN2):c.193G>T (p.Val65Leu)

Gene: RPN2 (ribophorin II; plus strand). Cytogenetic location: 20q11.23.
Variant type: single nucleotide variant.
Coding change: c.193G>T on transcript NM_002951.5 (MANE Select); coding-DNA position 193, G replaced by T.
Protein change: p.Val65Leu; replaces valine 65 with leucine.
Molecular consequence: missense variant. On other transcripts: 5 prime UTR variant (1).
Genome position (GRCh38, 1-based): chr20:37,184,359, G>T. VCF-style: chr20-37184359-G-T. GRCh37 (hg19) VCF-style: chr20-35812762-G-T.
Other names: c.193G>T, p.Val65Leu (NM_001135771.3, NM_001324299.2, NM_001324301.2 and 4 more transcripts); c.-7G>T (NM_001324306.2); short protein forms V65L.
Identifiers: ClinVar variation 1718371 (VCV001718371.5), dbSNP rs2515678213, ClinGen allele CA408848301.

ClinVar aggregate classification (germline): Uncertain significance (1 of 4 stars; one submission).

Conditions:
Congenital disorder of glycosylation (CDG). Also called: Carbohydrate-deficient glycoprotein syndrome; Congenital disorders of glycosylation. Identifiers: Orphanet 137, MedGen C0282577, MONDO:0015286.

Submission:

Labcorp Genetics (formerly Invitae), Labcorp
Classification: Uncertain significance for Congenital disorder of glycosylation. Last evaluated: 2022-08-30. Review status: criteria provided, single submitter. Criteria: Invitae Variant Classification Sherloc (09022015). Collection method: clinical testing. Allele origin: germline.
Comment: This sequence change replaces valine, which is neutral and non-polar, with leucine, which is neutral and non-polar, at codon 65 of the RPN2 protein (p.Val65Leu). This variant is not present in population databases (gnomAD no frequency). This variant has not been reported in the literature in individuals affected with RPN2-related conditions. Algorithms developed to predict the effect of missense changes on protein structure and function are either unavailable or do not agree on the potential impact of this missense change (SIFT: "Not Available"; PolyPhen-2: "Benign"; Align-GVGD: "Not Available"). In summary, the available evidence is currently insufficient to determine the role of this variant in disease. Therefore, it has been classified as a Variant of Uncertain Significance.